The following is an entry in ClinVar:

NM_032043.3(BRIP1):c.507+20A>C

Gene: BRIP1 (BRCA1 interacting DNA helicase 1; minus strand). Cytogenetic location: 17q23.2.
Variant type: single nucleotide variant.
Coding change: c.507+20A>C on transcript NM_032043.3 (MANE Select); 20 bases into the intron after coding-DNA position 507, A replaced by C.
Molecular consequence: intron variant.
Genome position (GRCh38, 1-based): chr17:61,849,109, T>G on the plus strand (A>C on the coding strand, the complement: BRIP1 is on the minus strand). VCF-style: chr17-61849109-T-G. GRCh37 (hg19) VCF-style: chr17-59926470-T-G.
Identifiers: ClinVar variation 379463 (VCV000379463.18), dbSNP rs369270945, ClinGen allele CA8690923.
Genomic context (GRCh38, chr17:61,849,109, plus strand): 5'-GTGCATTAAAAACATGATACTTGACTACCATGTTCAGCTGTAACTAACTGGGTTATTTAC[T>G]GCCAATAAACTCTGTTTACCTGCTGTGTAGTTTCTAAGGGTCGAATTCTTTTCTTCTCTA-3'

ClinVar aggregate classification (germline): Likely benign. Review status: criteria provided, multiple submitters, no conflicts (2 of 4 stars). 4 submissions from 4 submitters: Likely benign (4). Last evaluated 2026-01-28.

Conditions:
Hereditary cancer-predisposing syndrome. Also called: Hereditary neoplastic syndrome; Tumor predisposition; Neoplastic Syndromes, Hereditary; Hereditary Cancer Syndrome. Identifiers: Orphanet 140162, MedGen C0027672, MeSH D009386, MONDO:0015356.
Familial cancer of breast. Also called: Hereditary breast cancer; BREAST CANCER, FAMILIAL; hereditary breast carcinoma. Identifiers: Orphanet 227535, MedGen C0346153, MONDO:0016419, OMIM 114480. Disease mechanism: loss of function.
Fanconi anemia complementation group J. Also called: BRIP1-Related Fanconi Anemia. Identifiers: Orphanet 84, MedGen C1836860, MONDO:0012187, OMIM 609054.

Allele frequency attached by ClinVar (database versions not stated): ExAC 0.00001; gnomAD exomes 0.00001; gnomAD 0.00002; TOPMed 0.00002; ESP Exome Variant Server 0.00008.
gnomAD v4.1: 52 of 1,612,848 alleles (0.0032%); highest among the groups gnomAD compares: Non-Finnish European, 0.0042%; no homozygotes.

Submissions (4):

Labcorp Genetics (formerly Invitae), Labcorp
Classification: Likely benign for Familial cancer of breast; Fanconi anemia complementation group J. Last evaluated: 2026-01-28. Review status: criteria provided, single submitter. Criteria: Invitae Variant Classification Sherloc (09022015). Collection method: clinical testing. Allele origin: germline.

Center for Genomic Medicine, Rigshospitalet, Copenhagen University Hospital
Classification: Likely benign. Last evaluated: 2025-03-04. Review status: criteria provided, single submitter. Criteria: ACMG Guidelines, 2015. Collection method: clinical testing. Allele origin: germline.

Color Diagnostics, LLC DBA Color Health
Classification: Likely benign for Hereditary cancer-predisposing syndrome. Last evaluated: 2017-06-14. Review status: criteria provided, single submitter. Criteria: ACMG Guidelines, 2015. Collection method: clinical testing. Allele origin: germline.

GeneDx
Classification: Likely benign. Last evaluated: 2016-11-14. Review status: criteria provided, single submitter. Criteria: GeneDx Variant Classification (06012015). Collection method: clinical testing. Allele origin: germline. Affected: yes.
Comment: This variant is considered likely benign or benign based on one or more of the following criteria: it is a conservative change, it occurs at a poorly conserved position in the protein, it is predicted to be benign by multiple in silico algorithms, and/or has population frequency not consistent with disease.